The following is an entry in ClinVar:

ClinVar aggregate classification (germline): Benign/Likely benign. Review status: criteria provided, multiple submitters, no conflicts (2 of 4 stars). 9 submissions from 9 submitters: Benign (4); Likely benign (4). 1 of the submissions does not count toward it. Last evaluated 2026-05-11.

Conditions:
EVC2-related disorder. Also called: EVC2-related condition.
Ellis-van Creveld syndrome (EVC). Also called: Chondroectodermal dysplasia; MESOECTODERMAL DYSPLASIA. Identifiers: Orphanet 289, MedGen C0013903, MONDO:0009162, OMIM 225500.
Curry-Hall syndrome (WAD). Also called: WEYERS ACRODENTAL DYSOSTOSIS. Identifiers: Orphanet 952, MedGen C0457013, MONDO:0008673, OMIM 193530.

Allele frequency attached by ClinVar (database versions not stated): gnomAD exomes 0.00032 and 0.00097; ExAC 0.00123; gnomAD 0.00389 and 0.00416; TOPMed 0.00411; 1000 Genomes Project 0.00419; 1000 Genomes Project 30x 0.00437; ESP Exome Variant Server 0.00461.
gnomAD v4.1: 1,077 of 1,614,158 alleles (0.067%); highest among the groups gnomAD compares: African/African-American, 1.3%; 7 homozygotes.

Submissions (9):

Women's Health and Genetics/Laboratory Corporation of America, LabCorp
Classification: Likely benign. Last evaluated: 2026-05-11. Review status: criteria provided, single submitter. Criteria: LabCorp Variant Classification Summary - May 2015. Collection method: clinical testing. Allele origin: germline.

CeGaT Center for Human Genetics Tuebingen
Classification: Likely benign. Last evaluated: 2026-03-01. Review status: criteria provided, single submitter. Criteria: CeGaT Center For Human Genetics Tuebingen Variant Classification Criteria Version 2. Collection method: clinical testing. Allele origin: germline. Affected: yes. Observed: 2 variant alleles.
Comment: EVC2: BP4, BP7, BS1

Labcorp Genetics (formerly Invitae), Labcorp
Classification: Benign for Curry-Hall syndrome; Ellis-van Creveld syndrome. Last evaluated: 2026-02-01. Review status: criteria provided, single submitter. Criteria: Invitae Variant Classification Sherloc (09022015). Collection method: clinical testing. Allele origin: germline.

Blueprint Genetics
Classification: Likely benign. Last evaluated: 2024-08-21. Review status: criteria provided, single submitter. Criteria: ACMG Guidelines, 2015. Collection method: clinical testing. Allele origin: germline.

GeneDx
Classification: Likely benign. Last evaluated: 2021-03-28. Review status: criteria provided, single submitter. Criteria: GeneDx Variant Classification Process June 2021. Collection method: clinical testing. Allele origin: germline. Affected: yes.

ARUP Laboratories, Molecular Genetics and Genomics, ARUP Laboratories
Classification: Benign. Last evaluated: 2020-06-11. Review status: criteria provided, single submitter. Criteria: ARUP Molecular Germline Variant Investigation Process. Collection method: clinical testing. Allele origin: germline.

Genetic Services Laboratory, University of Chicago
Classification: Benign. Last evaluated: 2019-08-02. Review status: criteria provided, single submitter. Criteria: ACMG Guidelines, 2015. Collection method: clinical testing. Allele origin: germline. Affected: no.

Illumina Laboratory Services, Illumina
Classification: Benign for Ellis-van Creveld syndrome. Last evaluated: 2018-01-13. Review status: criteria provided, single submitter. Criteria: ICSL Variant Classification Criteria 13 December 2019. Collection method: clinical testing. Allele origin: germline.
Comment: This variant was observed in the ICSL laboratory as part of a predisposition screen in an ostensibly healthy population. It had not been previously curated by ICSL or reported in the Human Gene Mutation Database (HGMD: prior to June 1st, 2018), and was therefore a candidate for classification through an automated scoring system. Utilizing variant allele frequency, disease prevalence and penetrance estimates, and inheritance mode, an automated score was calculated to assess if this variant is too frequent to cause the disease. Based on the score and internal cut-off values, a variant classified as benign is not then subjected to further curation. The score for this variant resulted in a classification of benign for this disease.

PreventionGenetics, part of Exact Sciences
Classification: Benign for EVC2-related condition. Last evaluated: 2019-09-26. Review status: no assertion criteria provided. Collection method: clinical testing. Allele origin: germline. Not counted in ClinVar's aggregate classification.
Comment: This variant is classified as benign based on ACMG/AMP sequence variant interpretation guidelines (Richards et al. 2015 PMID: 25741868, with internal and published modifications).

NM_147127.5(EVC2):c.307T>C (p.Leu103=)

Gene: EVC2 (EvC ciliary complex subunit 2; minus strand). Cytogenetic location: 4p16.2.
Variant type: single nucleotide variant.
Coding change: c.307T>C on transcript NM_147127.5 (MANE Select); coding-DNA position 307, T replaced by C.
Protein change: p.Leu103=; no amino-acid change (leucine 103 retained).
Molecular consequence: synonymous variant.
Genome position (GRCh38, 1-based): chr4:5,694,478, A>G on the plus strand (T>C on the coding strand, the complement: EVC2 is on the minus strand). VCF-style: chr4-5694478-A-G. GRCh37 (hg19) VCF-style: chr4-5696205-A-G.
Other names: c.67T>C, p.Leu23= (NM_001166136.2).
Identifiers: ClinVar variation 349098 (VCV000349098.55), dbSNP rs140877783, ClinGen allele CA2835500.